The following is an entry in ClinVar:

NM_001278716.2(FBXL4):c.800G>A (p.Ser267Asn)

Gene: FBXL4 (F-box and leucine rich repeat protein 4; minus strand). Cytogenetic location: 6q16.2.
Variant type: single nucleotide variant.
Coding change: c.800G>A on transcript NM_001278716.2 (MANE Select); coding-DNA position 800, G replaced by A.
Protein change: p.Ser267Asn; replaces serine 267 with asparagine.
Molecular consequence: missense variant.
Genome position (GRCh38, 1-based): chr6:98,917,432, C>T on the plus strand (G>A on the coding strand, the complement: FBXL4 is on the minus strand). VCF-style: chr6-98917432-C-T. GRCh37 (hg19) VCF-style: chr6-99365308-C-T.
Other names: c.800G>A, p.Ser267Asn (NM_012160.5); short protein forms S267N.
Identifiers: ClinVar variation 3363207 (VCV003363207.1).

ClinVar aggregate classification (germline): Uncertain significance (1 of 4 stars; one submission).

Submission:

GeneDx
Classification: Uncertain significance. Last evaluated: 2023-10-20. Review status: criteria provided, single submitter. Criteria: GeneDx Variant Classification Process June 2021. Collection method: clinical testing. Allele origin: germline. Affected: yes.
Comment: Not observed at significant frequency in large population cohorts (gnomAD); In silico analysis supports that this missense variant does not alter protein structure/function; Has not been previously published as pathogenic or benign to our knowledge